The following is an entry in ClinVar:

NM_001099274.3(TINF2):c.1139C>T (p.Pro380Leu)

Gene: TINF2 (TERF1 interacting nuclear factor 2; minus strand). Cytogenetic location: 14q12.
Variant type: single nucleotide variant.
Coding change: c.1139C>T on transcript NM_001099274.3 (MANE Select); coding-DNA position 1139, C replaced by T.
Protein change: p.Pro380Leu; replaces proline 380 with leucine.
Molecular consequence: missense variant. On other transcripts: 3 prime UTR variant (1).
Genome position (GRCh38, 1-based): chr14:24,240,146, G>A on the plus strand (C>T on the coding strand, the complement: TINF2 is on the minus strand). VCF-style: chr14-24240146-G-A. GRCh37 (hg19) VCF-style: chr14-24709352-G-A.
Other names: c.1034C>T, p.Pro345Leu (NM_001363668.2); c.*269C>T (NM_012461.3); short protein forms P345L, P380L.
Identifiers: ClinVar variation 841738 (VCV000841738.14), dbSNP rs201422008, ClinGen allele CA7130473.

ClinVar aggregate classification (germline): Uncertain significance. Review status: criteria provided, multiple submitters, no conflicts (2 of 4 stars). 5 submissions from 5 submitters: Uncertain significance (5). Last evaluated 2025-10-29.

Conditions:
TINF2-related disorder. Also called: TINF2-related condition.
Revesz syndrome. Also called: EXUDATIVE RETINOPATHY WITH BONE MARROW FAILURE; DYSKERATOSIS CONGENITA, AUTOSOMAL DOMINANT 5. Identifiers: Orphanet 3088, MedGen C1327916, MONDO:0009990, OMIM 268130.
Dyskeratosis congenita, autosomal dominant 3. Identifiers: MedGen C3151445, MONDO:0013522, OMIM 613990.
Dyskeratosis congenita. Identifiers: Orphanet 1775, MedGen C0265965, MONDO:0015780.

Allele frequency attached by ClinVar (database versions not stated): gnomAD 0.00001 and 0.00002; gnomAD exomes 0.00003 and 0.00007; TOPMed 0.00003; ExAC 0.00007; ESP Exome Variant Server 0.00016; 1000 Genomes Project 30x 0.00031; 1000 Genomes Project 0.00040.
gnomAD v4.1: 47 of 1,613,994 alleles (0.0029%); highest among the groups gnomAD compares: Admixed American, 0.022%; no homozygotes.

Submissions (5):

Labcorp Genetics (formerly Invitae), Labcorp
Classification: Uncertain significance for Dyskeratosis congenita. Last evaluated: 2025-10-29. Review status: criteria provided, single submitter. Criteria: Invitae Variant Classification Sherloc (09022015). Collection method: clinical testing. Allele origin: germline.
Comment: This sequence change replaces proline, which is neutral and non-polar, with leucine, which is neutral and non-polar, at codon 380 of the TINF2 protein (p.Pro380Leu). This variant is present in population databases (rs201422008, gnomAD 0.03%). This variant has not been reported in the literature in individuals affected with TINF2-related conditions. ClinVar contains an entry for this variant (Variation ID: 841738). An algorithm developed to predict the effect of missense changes on protein structure and function outputs the following: PolyPhen-2: "Possibly Damaging". The leucine amino acid residue is found in multiple mammalian species, which suggests that this missense change does not adversely affect protein function. Algorithms developed to predict the effect of sequence changes on RNA splicing suggest that this variant may disrupt the consensus splice site. In summary, the available evidence is currently insufficient to determine the role of this variant in disease. Therefore, it has been classified as a Variant of Uncertain Significance.

PreventionGenetics, part of Exact Sciences
Classification: Uncertain significance for TINF2-related condition. Last evaluated: 2025-08-13. Review status: criteria provided, single submitter. Criteria: ACMG Guidelines, 2015. Collection method: clinical testing. Allele origin: germline.
Comment: The TINF2 c.1139C>T variant is predicted to result in the amino acid substitution p.Pro380Leu. To our knowledge, this variant has not been reported in the literature. This variant is reported in 0.035% of alleles in individuals of Latino descent in gnomAD, which may be too common to be a primary cause of disease. Although we suspect that this variant may be benign, at this time, the clinical significance of this variant is uncertain due to the absence of conclusive functional and genetic evidence.

Dasa
Classification: Uncertain significance. Last evaluated: 2024-06-18. Review status: criteria provided, single submitter. Criteria: DASA Assertion Criteria. Collection method: clinical testing. Allele origin: germline.
Comment: NM_001099274.3(TINF2):c.1139C>T (p.Pro380Leu) is a missense variant that results in the substitution of proline with leucine. This variant is rare in population databases. Computational prediction algorithms are consistent with a deleterious effect. The currently available literature and clinical evidence are not sufficient to establish a definitive association between this variant and the reported condition. Therefore, this variant is classified as a variant of uncertain significance.

Fulgent Genetics
Classification: Uncertain significance for Revesz syndrome; Dyskeratosis congenita, autosomal dominant 3. Last evaluated: 2023-12-30. Review status: criteria provided, single submitter. Criteria: ACMG Guidelines, 2015. Collection method: clinical testing. Allele origin: germline.

GeneDx
Classification: Uncertain significance. Last evaluated: 2022-01-20. Review status: criteria provided, single submitter. Criteria: GeneDx Variant Classification Process June 2021. Collection method: clinical testing. Allele origin: germline. Affected: yes.
Comment: Has not been previously published as pathogenic or benign to our knowledge; In silico analysis supports that this missense variant has a deleterious effect on protein structure/function; In silico analysis supports a deleterious effect on splicing